The following is an entry in ClinVar:

ClinVar aggregate classification (germline): Pathogenic (1 of 4 stars; one submission).

Conditions:
Autoimmune lymphoproliferative syndrome type 1. Also called: AUTOIMMUNE LYMPHOPROLIFERATIVE SYNDROME, TYPE I, AUTOSOMAL DOMINANT. Identifiers: Orphanet 3261, MedGen C2717884, MONDO:0011158, OMIM 601859.

Submission:

Labcorp Genetics (formerly Invitae), Labcorp
Classification: Pathogenic for Autoimmune lymphoproliferative syndrome. Last evaluated: 2025-08-11. Review status: criteria provided, single submitter. Criteria: Invitae Variant Classification Sherloc (09022015). Collection method: clinical testing. Allele origin: germline.
Comment: This sequence change replaces aspartic acid, which is acidic and polar, with glycine, which is neutral and non-polar, at codon 260 of the FAS protein (p.Asp260Gly). This variant is not present in population databases (gnomAD no frequency). This missense change has been observed in individuals with clinical features of autosomal dominant autoimmune lymphoproliferative syndrome (PMID: 9927496; internal data). This variant is also known as D244G. ClinVar contains an entry for this variant (Variation ID: 2136916). Invitae Evidence Modeling of protein sequence and biophysical properties (such as structural, functional, and spatial information, amino acid conservation, physicochemical variation, residue mobility, and thermodynamic stability) indicates that this missense variant is expected to disrupt FAS protein function with a positive predictive value of 95%. Experimental studies have shown that this missense change affects FAS function (PMID: 9927496). Algorithms developed to predict the effect of sequence changes on RNA splicing suggest that this variant may create or strengthen a splice site. This variant disrupts the p.Asp260 amino acid residue in FAS. Other variant(s) that disrupt this residue have been determined to be pathogenic (PMID: 9821419, 18223337, 20935634, 21490157; internal data). This suggests that this residue is clinically significant, and that variants that disrupt this residue are likely to be disease-causing. For these reasons, this variant has been classified as Pathogenic.

Literature cited by the submitters: PubMed 9927496; PubMed 9821419; PubMed 18223337; PubMed 20935634; PubMed 21490157.

NM_000043.6(FAS):c.779A>G (p.Asp260Gly)

Gene: FAS (Fas cell surface death receptor; plus strand). Cytogenetic location: 10q23.31.
Variant type: single nucleotide variant.
Coding change: c.779A>G on transcript NM_000043.6 (MANE Select); coding-DNA position 779, A replaced by G.
Protein change: p.Asp260Gly; replaces aspartic acid 260 with glycine.
Molecular consequence: missense variant. On other transcripts: 3 prime UTR variant (2), non-coding transcript variant (7).
Genome position (GRCh38, 1-based): chr10:89,014,221, A>G. VCF-style: chr10-89014221-A-G. GRCh37 (hg19) VCF-style: chr10-90773978-A-G.
Other names: c.*102A>G (NM_001320619.2); c.824A>G, p.Asp275Gly (NM_001410956.1); c.716A>G, p.Asp239Gly (NM_152871.4); c.*91A>G (NM_152872.4); short protein forms D260G, D239G, D275G.
Identifiers: ClinVar variation 2136916 (VCV002136916.4), dbSNP rs28929498, ClinGen allele CA377509791.
Genomic context (GRCh38, chr10:89,014,221, plus strand): 5'-TGACACTAAGTCAAGTTAAAGGCTTTGTTCGAAAGAATGGTGTCAATGAAGCCAAAATAG[A>G]TGAGATCAAGAATGACAATGTCCAAGACACAGCAGAACAGAAAGTTCAACTGCTTCGTAA-3'
Protein context (NP_000034.1, residues 250-270): RKNGVNEAKI[Asp260Gly]EIKNDNVQDT